The following is an entry in ClinVar:

NM_001080.3(ALDH5A1):c.1226G>A (p.Gly409Asp)

Gene: ALDH5A1 (aldehyde dehydrogenase 5 family member A1; plus strand). Cytogenetic location: 6p22.3.
Variant type: single nucleotide variant.
Coding change: c.1226G>A on transcript NM_001080.3 (MANE Select); coding-DNA position 1226, G replaced by A.
Protein change: p.Gly409Asp; replaces glycine 409 with aspartic acid.
Molecular consequence: missense variant.
Genome position (GRCh38, 1-based): chr6:24,528,049, G>A. VCF-style: chr6-24528049-G-A. GRCh37 (hg19) VCF-style: chr6-24528277-G-A.
Other names: c.1082G>A, p.Gly361Asp (NM_001368954.1); c.1265G>A, p.Gly422Asp (NM_170740.1); short protein forms G409D, G422D, G361D.
Identifiers: ClinVar variation 1359 (VCV000001359.63), dbSNP rs118203984, ClinGen allele CA251762.

ClinVar aggregate classification (germline): Pathogenic/Likely pathogenic. Review status: criteria provided, multiple submitters, no conflicts (2 of 4 stars). 15 submissions from 15 submitters: Pathogenic (12); Likely pathogenic (2). 1 of the submissions does not count toward it. Last evaluated 2026-01-16.

Conditions:
ALDH5A1-related disorder. Also called: ALDH5A1-related condition.
Succinate-semialdehyde dehydrogenase deficiency (SSADHD). Also called: 4-HYDROXYBUTYRIC ACIDURIA; GABA METABOLIC DEFECT; SSADH DEFICIENCY; Succinic Semialdehyde Dehydrogenase Deficiency. Identifiers: Orphanet 22, MedGen C0268631, MONDO:0010083, OMIM 271980.

Allele frequency attached by ClinVar (database versions not stated): TOPMed below 0.00001; gnomAD 0.00001; gnomAD exomes 0.00003; ExAC 0.00005.
gnomAD v4.1: 23 of 1,614,036 alleles (0.0014%); highest among the groups gnomAD compares: Non-Finnish European, 0.0017%; no homozygotes.

Submissions (15):

Dasa
Classification: Likely pathogenic. Last evaluated: 2026-01-16. Review status: criteria provided, single submitter. Criteria: DASA Assertion Criteria. Collection method: clinical testing. Allele origin: germline.
Comment: NM_001080.3(ALDH5A1):c.1226G>A (p.Gly409Asp) is a missense variant that results in the substitution of glycine with aspartic acid. This variant has been recurrently observed in individuals with ALDH5A1-related disorders (PMID: 14635103; PMID: 28664505). Functional evidence supports an impact on the gene or gene product. Also, this variant is rare in population databases. Computational evidence supports a deleterious effect. Based on the currently available evidence, this variant is classified as likely pathogenic.

Variantyx, Inc.
Classification: Pathogenic for Succinate-semialdehyde dehydrogenase deficiency. Last evaluated: 2025-03-14. Review status: criteria provided, single submitter. Criteria: Variantyx Assertion Criteria 2022. Collection method: clinical testing. Allele origin: maternal.
Comment: This is a nonsynonymous variant in the ALDH5A1 gene (OMIM: 610045). Pathogenic variants in this gene have been associated with autosomal recessive succinic semialdehyde dehydrogenase deficiency. This variant has been identified in the homozygous or compound heterozygous state in many unrelated, affected individuals from the published literature (PMID: 14635103, 28664505, 39011401) (PM3_Strong)}. Functional studies have shown that this variant alters ALDH5A1 protein function (PMID: 14635103, 28664505) (PS3). Multiple computational algorithms predict a deleterious effect for this variant (REVEL score: 0.936) (PP3_Moderate). This variant has a 0.0017% maximum allele frequency in non-founder control populations (PM2_Supporting). Based on the current evidence, this variant is classified as pathogenic for autosomal recessive succinic semialdehyde dehydrogenase deficiency.

Blueprint Genetics
Classification: Pathogenic for ALDH5A1-related disorders. Last evaluated: 2024-11-04. Review status: criteria provided, single submitter. Criteria: ACMG Guidelines, 2015. Collection method: clinical testing. Allele origin: germline. Affected: yes. Observed: 5 variant alleles.

Labcorp Genetics (formerly Invitae), Labcorp
Classification: Pathogenic for Succinate-semialdehyde dehydrogenase deficiency. Last evaluated: 2024-06-24. Review status: criteria provided, single submitter. Criteria: Invitae Variant Classification Sherloc (09022015). Collection method: clinical testing. Allele origin: germline.
Comment: This sequence change replaces glycine, which is neutral and non-polar, with aspartic acid, which is acidic and polar, at codon 409 of the ALDH5A1 protein (p.Gly409Asp). This variant is present in population databases (rs118203984, gnomAD 0.006%). This missense change has been observed in individual(s) with ALDH5A1-related disease (PMID: 14635103, 28664505). ClinVar contains an entry for this variant (Variation ID: 1359). Advanced modeling of protein sequence and biophysical properties (such as structural, functional, and spatial information, amino acid conservation, physicochemical variation, residue mobility, and thermodynamic stability) has been performed at Invitae for this missense variant, however the output from this modeling did not meet the statistical confidence thresholds required to predict the impact of this variant on ALDH5A1 protein function. Experimental studies have shown that this missense change affects ALDH5A1 function (PMID: 14635103, 28664505). For these reasons, this variant has been classified as Pathogenic.

3billion
Classification: Pathogenic for Succinate-semialdehyde dehydrogenase deficiency. Last evaluated: 2024-06-18. Review status: criteria provided, single submitter. Criteria: ACMG Guidelines, 2015. Collection method: clinical testing. Allele origin: germline. Affected: yes.
Comment: The variant is observed at an extremely low frequency in the gnomAD v4.0.0 dataset (total allele frequency: 0.001%). Predicted Consequence/Location: Missense variant Functional studies provide strong evidence of the variant having a damaging effect on the gene or gene product (PMID: 14635103). In silico tool predictions suggest damaging effect of the variant on gene or gene product [REVEL: 0.94 (>=0.6, sensitivity 0.68 and specificity 0.92); 3Cnet: 0.12 (>=0.6, sensitivity 0.72 and precision 0.9)]. The same nucleotide change resulting in the same amino acid change has been previously reported as pathogenic/likely pathogenic with strong evidence (ClinVar ID: VCV000001359 /PMID: 11243727). The variant has been reported to be in trans with a pathogenic variant as either compound heterozygous or homozygous in at least 2 similarly affected unrelated individuals (PMID: 14635103, 28664505). Therefore, this variant is classified as Pathogenic according to the recommendation of ACMG/AMP guideline.

Laboratory of Medical Genetics, National & Kapodistrian University of Athens
Classification: Pathogenic for Succinate-semialdehyde dehydrogenase deficiency. Last evaluated: 2023-05-23. Review status: criteria provided, single submitter. Criteria: ACMG Guidelines, 2015. Collection method: clinical testing. Allele origin: germline. Affected: yes.
Comment: PS3, PM2, PP3, PP5

GeneDx
Classification: Pathogenic. Last evaluated: 2022-12-11. Review status: criteria provided, single submitter. Criteria: GeneDx Variant Classification Process June 2021. Collection method: clinical testing. Allele origin: germline. Affected: yes.
Comment: Published functional studies demonstrate that this variant was reported to have SSADH enzyme activity of less than 1% relative to wild-type (Akaboshi et al., 2003); In silico analysis supports that this missense variant has a deleterious effect on protein structure/function; Not observed at significant frequency in large population cohorts (gnomAD); This variant is associated with the following publications: (PMID: 30829465, 11243727, 20304328, 28664505, 14635103, 32395407, 33531951, 32093054, 32402538, 33203024, 32887777)

CeGaT Center for Human Genetics Tuebingen
Classification: Pathogenic. Last evaluated: 2021-08-01. Review status: criteria provided, single submitter. Criteria: CeGaT Center For Human Genetics Tuebingen Variant Classification Criteria Version 2. Collection method: clinical testing. Allele origin: germline. Affected: yes. Observed: 1 variant allele.

Women's Health and Genetics/Laboratory Corporation of America, LabCorp
Classification: Pathogenic for Succinate-semialdehyde dehydrogenase deficiency. Last evaluated: 2021-03-26. Review status: criteria provided, single submitter. Criteria: LabCorp Variant Classification Summary - May 2015. Collection method: clinical testing. Allele origin: germline.
Comment: Variant summary: ALDH5A1 c.1226G>A (p.Gly409Asp) results in a non-conservative amino acid change located in the Aldehyde dehydrogenase domain (IPR015590) of the encoded protein sequence. Five of five in-silico tools predict a damaging effect of the variant on protein function. The variant allele was found at a frequency of 2.8e-05 in 251424 control chromosomes. c.1226G>A has been reported in the literature as homozygous or compound heterozygous with another pathogenic variant in multiple individuals affected with Succinic Semialdehyde Dehydrogenase Deficiency (e.g. Hogema_2001, Akaboshi_2003, Knerr_2010, Leo_2017). These data indicate that the variant is very likely to be associated with disease. Several publications report experimental evidence evaluating an impact on protein function. The most pronounced variant effect results in <1% of normal SSADH activity (e.g. Hogema_2001, Akaboshi_2003). Three clinical diagnostic laboratories have submitted clinical-significance assessments for this variant to ClinVar after 2014 without evidence for independent evaluation. All laboratories cited the variant as pathogenic. Based on the evidence outlined above, the variant was classified as pathogenic.

Elsea Laboratory, Baylor College of Medicine
Classification: Pathogenic for Succinate-semialdehyde dehydrogenase deficiency. Last evaluated: 2021-03-08. Review status: criteria provided, single submitter. Criteria: Martin et al. (J Child Neurol. 2021). Collection method: curation. Allele origin: germline. Affected: yes.
Comment: enzyme activity <1%;catalytic domain

Fulgent Genetics
Classification: Pathogenic for Succinate-semialdehyde dehydrogenase deficiency. Last evaluated: 2018-10-31. Review status: criteria provided, single submitter. Criteria: ACMG Guidelines, 2015. Collection method: clinical testing. Allele origin: unknown.

Centre for Mendelian Genomics, University Medical Centre Ljubljana
Classification: Pathogenic for Succinate-semialdehyde dehydrogenase deficiency. Last evaluated: 2018-10-05. Review status: criteria provided, single submitter. Criteria: ACMG Guidelines, 2015. Collection method: clinical testing. Allele origin: unknown. Affected: yes.
Comment: This variant was classified as: Pathogenic. The following ACMG criteria were applied in classifying this variant: PS1,PM3,PM2,PP3,PP4.

Courtagen Diagnostics Laboratory, Courtagen Life Sciences
Classification: Pathogenic for Succinic semialdehyde dehydrogenase deficiency. Last evaluated: 2014-08-27. Review status: criteria provided, single submitter. Criteria: Courtagen Life Sciences Classifications. Collection method: clinical testing. Allele origin: germline. Affected: yes.

Lifecell International Pvt. Ltd
Classification: Likely pathogenic for Succinate-semialdehyde dehydrogenase deficiency. Review status: criteria provided, single submitter. Criteria: ACMG Guidelines, 2015. Collection method: clinical testing. Allele origin: germline. Inheritance: Autosomal recessive inheritance. Affected: yes. Observed: 1 compound heterozygote.
Comment: A Heterozygous Missense variant c.1226G>A in Exon 8 of the ALDH5A1 gene that results in the amino acid substitution p.Gly409Asp was identified. The observed variant has a minor allele frequency of 0.00003 in gnomAD exomes and is novel in genomes. The severity of the impact of this variant on the protein is medium, based on the effect of the protein and REVEL score . Rare Exome Variant Ensemble Learner (REVEL) is an ensembl method for predicting the pathogenicity of missense variants based on a combination of scores from 13 individual tools: MutPred, FATHMM v2.3, VEST 3.0, PolyPhen-2, SIFT, PROVEAN, MutationAssessor, MutationTaster, LRT, GERP++, SiPhy, phyloP, and phastCons. The REVEL score for an individual missense variant can range from 0 to 1, with higher scores reflecting greater likelihood that the variant is disease-causing. ClinVar has also classified this variant as Pathogenic [Variant ID : 1359]. The observed variation has previously been reported for Succinic Semialdehyde Dehydrogenase Deficiency by Brennenstuhl, Heiko, et al., 2020. For these reasons this variant has been classified as Likely Pathogenic.

OMIM
Classification: Pathogenic for SUCCINIC SEMIALDEHYDE DEHYDROGENASE DEFICIENCY. Last evaluated: 2003-12-01. Review status: no assertion criteria provided. Collection method: literature only. Allele origin: germline. Not counted in ClinVar's aggregate classification.

Literature cited by the submitters: PubMed 14635103 (cited by 6 submitters); PubMed 28664505 (cited by 4 submitters); PubMed 11243727 (cited by 3billion and Women's Health and Genetics/Laboratory Corporation of America, LabCorp); PubMed 20304328 (cited by Women's Health and Genetics/Laboratory Corporation of America, LabCorp); PubMed 25431891 (cited by Women's Health and Genetics/Laboratory Corporation of America, LabCorp); PubMed 11544478 (cited by Elsea Laboratory, Baylor College of Medicine); PubMed 33203024 (cited by Elsea Laboratory, Baylor College of Medicine and Lifecell International Pvt. Ltd).